The following is an entry in ClinVar:

ClinVar aggregate classification (germline): Uncertain significance. Review status: criteria provided, multiple submitters, no conflicts (2 of 4 stars). 2 submissions from 2 submitters: Uncertain significance (2). Last evaluated 2026-05-29.

Conditions:
ELMOD3-related disorder. Also called: ELMOD3-related condition.

Allele frequency attached by ClinVar (database versions not stated): gnomAD 0.00003; gnomAD exomes 0.00003; TOPMed 0.00003; ESP Exome Variant Server 0.00008; ExAC 0.00002.
gnomAD v4.1: 51 of 1,613,876 alleles (0.0032%); highest among the groups gnomAD compares: Non-Finnish European, 0.0042%; no homozygotes.

Submissions (2):

PreventionGenetics, part of Exact Sciences
Classification: Uncertain significance for ELMOD3-related condition. Last evaluated: 2026-05-29. Review status: criteria provided, single submitter. Criteria: ACMG Guidelines, 2015. Collection method: clinical testing. Allele origin: germline.
Comment: The ELMOD3 c.826C>T variant is predicted to result in the amino acid substitution p.Arg276Trp. To our knowledge, this variant has not been reported in the literature. This variant is reported in 0.0028% of alleles in individuals of Latino descent in gnomAD. At this time, the clinical significance of this variant is uncertain due to the absence of conclusive functional and genetic evidence.

Ambry Genetics
Classification: Uncertain significance. Last evaluated: 2023-12-27. Review status: criteria provided, single submitter. Criteria: Ambry Variant Classification Scheme 2023. Collection method: clinical testing. Allele origin: germline.

NM_001135022.2(ELMOD3):c.826C>T (p.Arg276Trp)

Gene: ELMOD3 (ELMO domain containing 3; plus strand). Cytogenetic location: 2p11.2.
Variant type: single nucleotide variant.
Coding change: c.826C>T on transcript NM_001135022.2 (MANE Select); coding-DNA position 826, C replaced by T.
Protein change: p.Arg276Trp; replaces arginine 276 with tryptophan.
Molecular consequence: missense variant. On other transcripts: non-coding transcript variant (3).
Genome position (GRCh38, 1-based): chr2:85,390,148, C>T. VCF-style: chr2-85390148-C-T. GRCh37 (hg19) VCF-style: chr2-85617271-C-T.
Other names: c.826C>T, p.Arg276Trp (NM_001135021.2, NM_001135023.2, NM_001329791.2 and 3 more transcripts); c.826C>T (NM_001135021.1); short protein forms R276W.
Identifiers: ClinVar variation 3088357 (VCV003088357.2), dbSNP rs141195079, ClinGen allele CA1740523.